The following is an entry in ClinVar:

NM_003200.5(TCF3):c.409C>T (p.Pro137Ser)

Gene: TCF3 (transcription factor 3; minus strand). Cytogenetic location: 19p13.3.
Variant type: single nucleotide variant.
Coding change: c.409C>T on transcript NM_003200.5 (MANE Select); coding-DNA position 409, C replaced by T.
Protein change: p.Pro137Ser; replaces proline 137 with serine.
Molecular consequence: missense variant.
Genome position (GRCh38, 1-based): chr19:1,625,666, G>A on the plus strand (C>T on the coding strand, the complement: TCF3 is on the minus strand). VCF-style: chr19-1625666-G-A. GRCh37 (hg19) VCF-style: chr19-1625665-G-A.
Other names: c.409C>T, p.Pro137Ser (NM_001136139.4, NM_001351778.2, NM_001351779.2); c.409C>T (NM_003200.3); short protein forms P137S.
Identifiers: ClinVar variation 998953 (VCV000998953.7), dbSNP rs768418324, ClinGen allele CA9050408.

ClinVar aggregate classification (germline): Uncertain significance. Review status: criteria provided, multiple submitters, no conflicts (2 of 4 stars). 2 submissions from 2 submitters: Uncertain significance (2). Last evaluated 2026-01-03.

Conditions:
Inborn genetic diseases. Identifiers: MedGen C0950123, MeSH D030342.

Allele frequency attached by ClinVar (database versions not stated): gnomAD exomes 0.00009 and 0.00025; gnomAD 0.00014 and 0.00018; TOPMed 0.00015; ExAC 0.00048.
gnomAD v4.1: 143 of 1,530,328 alleles (0.0093%); highest among the groups gnomAD compares: Middle Eastern, 0.13%; 3 homozygotes.

Submissions (2):

Labcorp Genetics (formerly Invitae), Labcorp
Classification: Uncertain significance. Last evaluated: 2026-01-03. Review status: criteria provided, single submitter. Criteria: Invitae Variant Classification Sherloc (09022015). Collection method: clinical testing. Allele origin: germline.
Comment: This sequence change replaces proline, which is neutral and non-polar, with serine, which is neutral and polar, at codon 137 of the TCF3 protein (p.Pro137Ser). This variant is present in population databases (rs768418324, gnomAD 0.1%). This variant has not been reported in the literature in individuals affected with TCF3-related conditions. ClinVar contains an entry for this variant (Variation ID: 998953). Invitae Evidence Modeling of protein sequence and biophysical properties (such as structural, functional, and spatial information, amino acid conservation, physicochemical variation, residue mobility, and thermodynamic stability) indicates that this missense variant is not expected to disrupt TCF3 protein function with a negative predictive value of 80%. In summary, the available evidence is currently insufficient to determine the role of this variant in disease. Therefore, it has been classified as a Variant of Uncertain Significance.

Ambry Genetics
Classification: Uncertain significance for Inborn genetic diseases. Last evaluated: 2021-06-18. Review status: criteria provided, single submitter. Criteria: Ambry Variant Classification Scheme 2023. Collection method: clinical testing. Allele origin: germline.